The following is an entry in ClinVar:

NM_032638.5(GATA2):c.803G>A (p.Gly268Glu)

Gene: GATA2 (GATA binding protein 2; minus strand). Cytogenetic location: 3q21.3.
Variant type: single nucleotide variant.
Coding change: c.803G>A on transcript NM_032638.5 (MANE Select); coding-DNA position 803, G replaced by A.
Protein change: p.Gly268Glu; replaces glycine 268 with glutamic acid.
Molecular consequence: missense variant.
Genome position (GRCh38, 1-based): chr3:128,485,795, C>T on the plus strand (G>A on the coding strand, the complement: GATA2 is on the minus strand). VCF-style: chr3-128485795-C-T. GRCh37 (hg19) VCF-style: chr3-128204638-C-T.
Other names: c.803G>A (NM_032638.4); c.803G>A, p.Gly268Glu (NM_001145661.2, NM_001145662.1); short protein forms G268E.
Identifiers: ClinVar variation 1392839 (VCV001392839.9), dbSNP rs1576748419, ClinGen allele CA354405863.

ClinVar aggregate classification (germline): Uncertain significance. Review status: criteria provided, multiple submitters, no conflicts (2 of 4 stars). 2 submissions from 2 submitters: Uncertain significance (2). Last evaluated 2024-12-26.

Conditions:
Inborn genetic diseases. Identifiers: MedGen C0950123, MeSH D030342.
Monocytopenia with susceptibility to infections. Also called: IMMUNODEFICIENCY 21; GATA2 DEFICIENCY; Dendritic cell, monocyte, B lymphocyte, and natural killer lymphocyte deficiency; MONOCYTOPENIA AND MYCOBACTERIAL INFECTION SYNDROME; MONOCYTOPENIA WITH SUSCEPTIBILITY TO MYCOBACTERIAL, FUNGAL, AND PAPILLOMAVIRUS INFECTIONS AND MYELODYSPLASIA; COMBINED IMMUNODEFICIENCY WITH SUSCEPTIBILITY TO MYCOBACTERIAL, VIRAL, AND FUNGAL INFECTIONS. Identifiers: Orphanet 228423, MedGen C3280030, MONDO:0013607, OMIM 614172.
Deafness-lymphedema-leukemia syndrome. Also called: Emberger syndrome; Lymphedema, primary, with myelodysplasia. Identifiers: Orphanet 3226, MedGen C3279664, MONDO:0013540, OMIM 614038.

Submissions (2):

Ambry Genetics
Classification: Uncertain significance for Inborn genetic diseases. Last evaluated: 2024-12-26. Review status: criteria provided, single submitter. Criteria: Ambry Variant Classification Scheme 2023. Collection method: clinical testing. Allele origin: germline.
Comment: The p.G268E variant (also known as c.803G>A), located in coding exon 2 of the GATA2 gene, results from a G to A substitution at nucleotide position 803. The glycine at codon 268 is replaced by glutamic acid, an amino acid with similar properties. This amino acid position is conserved. In addition, this alteration is predicted to be deleterious by in silico analysis. Based on the available evidence, the clinical significance of this variant remains unclear.

Labcorp Genetics (formerly Invitae), Labcorp
Classification: Uncertain significance for Monocytopenia with susceptibility to infections; Deafness-lymphedema-leukemia syndrome. Last evaluated: 2022-11-28. Review status: criteria provided, single submitter. Criteria: Invitae Variant Classification Sherloc (09022015). Collection method: clinical testing. Allele origin: germline.
Comment: This variant has not been reported in the literature in individuals affected with GATA2-related conditions. This variant is not present in population databases (gnomAD no frequency). This sequence change replaces glycine, which is neutral and non-polar, with glutamic acid, which is acidic and polar, at codon 268 of the GATA2 protein (p.Gly268Glu). In summary, the available evidence is currently insufficient to determine the role of this variant in disease. Therefore, it has been classified as a Variant of Uncertain Significance. Advanced modeling of protein sequence and biophysical properties (such as structural, functional, and spatial information, amino acid conservation, physicochemical variation, residue mobility, and thermodynamic stability) has been performed at Invitae for this missense variant, however the output from this modeling did not meet the statistical confidence thresholds required to predict the impact of this variant on GATA2 protein function. ClinVar contains an entry for this variant (Variation ID: 1392839).